The following is an entry in ClinVar:

NM_016138.5(COQ7):c.53G>A (p.Gly18Glu)

Genes: COQ7 (coenzyme Q7, hydroxylase; plus strand), LOC130058587 (ATAC-STARR-seq lymphoblastoid silent region 7240; plus strand). Cytogenetic location: 16p12.3.
Variant type: single nucleotide variant.
Coding change: c.53G>A on transcript NM_016138.5 (MANE Select); coding-DNA position 53, G replaced by A.
Protein change: p.Gly18Glu; replaces glycine 18 with glutamic acid.
Molecular consequence: missense variant. On other transcripts: non-coding transcript variant (2).
Genome position (GRCh38, 1-based): chr16:19,067,717, G>A. VCF-style: chr16-19067717-G-A. GRCh37 (hg19) VCF-style: chr16-19079039-G-A.
Other names: c.53G>A, p.Gly18Glu (NM_001370490.1); c.53G>A (NM_016138.4); short protein forms G18E.
Identifiers: ClinVar variation 1439639 (VCV001439639.4), dbSNP rs749623475, ClinGen allele CA7932842.

ClinVar aggregate classification (germline): Uncertain significance. Review status: criteria provided, multiple submitters, no conflicts (2 of 4 stars). 2 submissions from 2 submitters: Uncertain significance (2). Last evaluated 2024-12-06.

Allele frequency attached by ClinVar (database versions not stated): ExAC 0.00001.
gnomAD v4.1: 8 of 1,605,992 alleles (0.0005%); highest among the groups gnomAD compares: Non-Finnish European, 0.00068%; no homozygotes.

Submissions (2):

GeneDx
Classification: Uncertain significance. Last evaluated: 2024-12-06. Review status: criteria provided, single submitter. Criteria: GeneDx Variant Classification Process June 2021. Collection method: clinical testing. Allele origin: germline. Affected: yes.
Comment: Not observed at significant frequency in large population cohorts (gnomAD); In silico analysis indicates that this missense variant does not alter protein structure/function; Has not been previously published as pathogenic or benign to our knowledge

Labcorp Genetics (formerly Invitae), Labcorp
Classification: Uncertain significance. Last evaluated: 2022-06-05. Review status: criteria provided, single submitter. Criteria: Invitae Variant Classification Sherloc (09022015). Collection method: clinical testing. Allele origin: germline.
Comment: This sequence change replaces glycine, which is neutral and non-polar, with glutamic acid, which is acidic and polar, at codon 18 of the COQ7 protein (p.Gly18Glu). This variant is present in population databases (rs749623475, gnomAD 0.002%). This variant has not been reported in the literature in individuals affected with COQ7-related conditions. ClinVar contains an entry for this variant (Variation ID: 1439639). Algorithms developed to predict the effect of missense changes on protein structure and function (SIFT, PolyPhen-2, Align-GVGD) all suggest that this variant is likely to be tolerated. In summary, the available evidence is currently insufficient to determine the role of this variant in disease. Therefore, it has been classified as a Variant of Uncertain Significance.